The following is an entry in ClinVar:

ClinVar aggregate classification (germline): Uncertain significance (1 of 4 stars; one submission).

Allele frequency attached by ClinVar (database versions not stated): gnomAD 0.00001; TOPMed 0.00001.
gnomAD v4.1: 6 of 1,531,692 alleles (0.00039%); highest among the groups gnomAD compares: African/African-American, 0.0055%; no homozygotes.

Submission:

Labcorp Genetics (formerly Invitae), Labcorp
Classification: Uncertain significance. Last evaluated: 2020-12-05. Review status: criteria provided, single submitter. Criteria: Invitae Variant Classification Sherloc (09022015). Collection method: clinical testing. Allele origin: germline.
Comment: This sequence change falls in intron 39 of the UNC80 gene. It does not directly change the encoded amino acid sequence of the UNC80 protein. It affects a nucleotide within the consensus splice site of the intron. This variant is not present in population databases (ExAC no frequency). This variant has not been reported in the literature in individuals with UNC80-related conditions. Nucleotide substitutions within the consensus splice site are a relatively common cause of aberrant splicing (PMID: 17576681, 9536098). Algorithms developed to predict the effect of sequence changes on RNA splicing suggest that this variant is not likely to affect RNA splicing, but this prediction has not been confirmed by published transcriptional studies. In summary, the available evidence is currently insufficient to determine the role of this variant in disease. Therefore, it has been classified as a Variant of Uncertain Significance.

Literature cited by the submitters: PubMed 17576681; PubMed 9536098.

NM_001371986.1(UNC80):c.6273+4G>A

Gene: UNC80 (unc-80 homolog, NALCN channel complex subunit; plus strand). Cytogenetic location: 2q34.
Variant type: single nucleotide variant.
Coding change: c.6273+4G>A on transcript NM_001371986.1 (MANE Select); 4 bases into the intron after coding-DNA position 6273, G replaced by A.
Molecular consequence: intron variant.
Genome position (GRCh38, 1-based): chr2:209,935,812, G>A. VCF-style: chr2-209935812-G-A. GRCh37 (hg19) VCF-style: chr2-210800536-G-A.
Other names: c.6075+4G>A (NM_032504.2); c.6060+4G>A (NM_182587.4).
Identifiers: ClinVar variation 1496420 (VCV001496420.3), dbSNP rs550058061, ClinGen allele CA65042024.